The following is an entry in ClinVar:

NM_002474.3(MYH11):c.3409G>T (p.Ala1137Ser)

Gene: MYH11 (myosin heavy chain 11; minus strand). Cytogenetic location: 16p13.11.
Variant type: single nucleotide variant.
Coding change: c.3409G>T on transcript NM_002474.3 (MANE Select); coding-DNA position 3409, G replaced by T.
Protein change: p.Ala1137Ser; replaces alanine 1137 with serine.
Molecular consequence: missense variant.
Genome position (GRCh38, 1-based): chr16:15,735,463, C>A on the plus strand (G>T on the coding strand, the complement: MYH11 is on the minus strand). VCF-style: chr16-15735463-C-A. GRCh37 (hg19) VCF-style: chr16-15829320-C-A.
Other names: c.3430G>T, p.Ala1144Ser (NM_001040113.2, NM_001040114.2); c.3409G>T, p.Ala1137Ser (NM_022844.3); short protein forms A1137S, A1144S.
Identifiers: ClinVar variation 263850 (VCV000263850.22), dbSNP rs761268562, ClinGen allele CA7922000.
Genomic context (GRCh38, chr16:15,735,463, plus strand): 5'-CTTCCAGCTCTGTCTTTAGGGCCTCCAGCTCCTCGCCGAGGTCTCGCTTCTGCTTTTCAG[C>A]CTTGTTCCTGGCGGCCCGCTCTGAGTCCAGGTCCTCCTGGAGGTCTGAGATGTGGCCCTC-3'
Protein context (NP_002465.1, residues 1127-1147): LDSERAARNK[Ala1137Ser]EKQKRDLGEE

ClinVar aggregate classification (germline): Uncertain significance. Review status: criteria provided, multiple submitters, no conflicts (2 of 4 stars). 5 submissions from 5 submitters: Uncertain significance (5). Last evaluated 2026-02-09.

Conditions:
MYH11-related disorder. Also called: MYH11-related condition.
Familial thoracic aortic aneurysm and aortic dissection (TAAD). Also called: Thoracic aortic aneurysms and dissections. Identifiers: Orphanet 91387, MedGen C4707243, MONDO:0019625.
Aortic aneurysm, familial thoracic 4 (AAT4). Also called: AORTIC ANEURYSM/AORTIC DISSECTION AND PATENT DUCTUS ARTERIOSUS. Identifiers: MedGen C1851504, MONDO:0007568, OMIM 132900.

Allele frequency attached by ClinVar (database versions not stated): TOPMed below 0.00001; ExAC 0.00001; gnomAD 0.00001; gnomAD exomes 0.00001 and 0.00002.
gnomAD v4.1: 39 of 1,613,984 alleles (0.0024%); highest among the groups gnomAD compares: Non-Finnish European, 0.0027%; no homozygotes.

Submissions (5):

PreventionGenetics, part of Exact Sciences
Classification: Uncertain significance for MYH11-related condition. Last evaluated: 2026-02-09. Review status: criteria provided, single submitter. Criteria: ACMG Guidelines, 2015. Collection method: clinical testing. Allele origin: germline.
Comment: The MYH11 c.3430G>T variant is predicted to result in the amino acid substitution p.Ala1144Ser. To our knowledge, this variant has not been reported in the literature. This variant is reported in 0.0062% of alleles in individuals of African descent in gnomAD. At this time, the clinical significance of this variant is uncertain due to the absence of conclusive functional and genetic evidence.

Labcorp Genetics (formerly Invitae), Labcorp
Classification: Uncertain significance for Aortic aneurysm, familial thoracic 4. Last evaluated: 2026-01-21. Review status: criteria provided, single submitter. Criteria: Invitae Variant Classification Sherloc (09022015). Collection method: clinical testing. Allele origin: germline.
Comment: This sequence change replaces alanine, which is neutral and non-polar, with serine, which is neutral and polar, at codon 1144 of the MYH11 protein (p.Ala1144Ser). This variant is present in population databases (rs761268562, gnomAD 0.007%). This variant has not been reported in the literature in individuals affected with MYH11-related conditions. ClinVar contains an entry for this variant (Variation ID: 263850). Invitae Evidence Modeling of protein sequence and biophysical properties (such as structural, functional, and spatial information, amino acid conservation, physicochemical variation, residue mobility, and thermodynamic stability) indicates that this missense variant is not expected to disrupt MYH11 protein function with a negative predictive value of 95%. In summary, the available evidence is currently insufficient to determine the role of this variant in disease. Therefore, it has been classified as a Variant of Uncertain Significance.

Ambry Genetics
Classification: Uncertain significance for Familial thoracic aortic aneurysm and aortic dissection. Last evaluated: 2025-08-29. Review status: criteria provided, single submitter. Criteria: Ambry Variant Classification Scheme 2023. Collection method: clinical testing. Allele origin: germline.
Comment: The p.A1137S variant (also known as c.3409G>T), located in coding exon 25 of the MYH11 gene, results from a G to T substitution at nucleotide position 3409. The alanine at codon 1137 is replaced by serine, an amino acid with similar properties. This amino acid position is highly conserved in available vertebrate species. In addition, this alteration is predicted to be tolerated by in silico analysis. Based on the available evidence, the clinical significance of this variant remains unclear.

Color Diagnostics, LLC DBA Color Health
Classification: Uncertain significance for Familial thoracic aortic aneurysm and aortic dissection. Last evaluated: 2024-03-06. Review status: criteria provided, single submitter. Criteria: ACMG Guidelines, 2015. Collection method: clinical testing. Allele origin: germline.
Comment: This missense variant replaces alanine with serine at codon 1144 of the MYH11 protein. Computational prediction is inconclusive regarding the impact of this variant on protein structure and function (internally defined REVEL score threshold 0.5 < inconclusive < 0.7, PMID: 27666373). To our knowledge, functional studies have not been reported for this variant. This variant has not been reported in individuals affected with MYH11-related disorders in the literature. This variant has been identified in 3/251486 chromosomes in the general population by the Genome Aggregation Database (gnomAD). The available evidence is insufficient to determine the role of this variant in disease conclusively. Therefore, this variant is classified as a Variant of Uncertain Significance.

GeneDx
Classification: Uncertain significance. Last evaluated: 2020-03-25. Review status: criteria provided, single submitter. Criteria: GeneDx Variant Classification Process June 2021. Collection method: clinical testing. Allele origin: germline. Affected: yes.
Comment: Has not been previously published as pathogenic or benign to our knowledge; Not observed at a significant frequency in large population cohorts (Lek et al., 2016); In silico analysis supports that this missense variant does not alter protein structure/function; Reported in ClinVar as a variant of uncertain significance (ClinVar Variant ID# 263850; Landrum et al., 2016)